The following is an entry in ClinVar:

ClinVar aggregate classification (germline): Pathogenic (1 of 4 stars; one submission).

Conditions:
Glycogen storage disease type III (GSD3). Also called: FORBES DISEASE; Cori disease. Identifiers: Orphanet 366, MedGen C0017922, MONDO:0009291, OMIM 232400.

Allele frequency attached by ClinVar (database versions not stated): gnomAD exomes below 0.00001.
gnomAD v4.1: 1 of 1,613,836 alleles (0.000062%); highest among the groups gnomAD compares: Non-Finnish European, 0.000085%; no homozygotes.

Submission:

Labcorp Genetics (formerly Invitae), Labcorp
Classification: Pathogenic for Glycogen storage disease type III. Last evaluated: 2022-10-24. Review status: criteria provided, single submitter. Criteria: Invitae Variant Classification Sherloc (09022015). Collection method: clinical testing. Allele origin: germline.
Comment: This sequence change creates a premature translational stop signal (p.Glu394*) in the AGL gene. It is expected to result in an absent or disrupted protein product. Loss-of-function variants in AGL are known to be pathogenic (PMID: 19299494). This variant is not present in population databases (gnomAD no frequency). This variant has not been reported in the literature in individuals affected with AGL-related conditions. ClinVar contains an entry for this variant (Variation ID: 660008). For these reasons, this variant has been classified as Pathogenic.

Literature cited by the submitters: PubMed 19299494.

NM_000642.3(AGL):c.1180G>T (p.Glu394Ter)

Gene: AGL (amylo-alpha-1,6-glucosidase and 4-alpha-glucanotransferase; plus strand). Cytogenetic location: 1p21.2.
Variant type: single nucleotide variant.
Coding change: c.1180G>T on transcript NM_000642.3 (MANE Select); coding-DNA position 1180, G replaced by T.
Protein change: p.Glu394Ter; replaces glutamic acid 394 with a stop codon.
Molecular consequence: nonsense.
Genome position (GRCh38, 1-based): chr1:99,875,251, G>T. VCF-style: chr1-99875251-G-T. GRCh37 (hg19) VCF-style: chr1-100340807-G-T.
Other names: c.1180G>T, p.Glu394Ter (NM_000028.3, NM_000643.3, NM_000644.3 and 2 more transcripts); c.1132G>T, p.Glu378Ter (NM_000646.3); c.976G>T, p.Glu326Ter (NM_001425328.1, NM_001425329.1); c.802G>T, p.Glu268Ter (NM_001425332.1); short protein forms E378*, E394*, E268*, E326*.
Identifiers: ClinVar variation 660008 (VCV000660008.7), dbSNP rs1570433686, ClinGen allele CA341344948.